The following is an entry in ClinVar:

ClinVar aggregate classification (germline): Benign/Likely benign. Review status: criteria provided, multiple submitters, no conflicts (2 of 4 stars). 6 submissions from 6 submitters: Benign (1); Likely benign (4). 1 of the submissions does not count toward it. Last evaluated 2026-01-27.

Conditions:
Autoinflammatory syndrome. Identifiers: Orphanet 93665, MedGen C3890737, MONDO:0019751.
CARD14-related disorder. Also called: CARD14-related condition.
Pityriasis rubra pilaris (PRP). Also called: Pityriasis rubra pilaris--familial type. Identifiers: Orphanet 2897, MedGen C0032027, MONDO:0100017, OMIM 173200, MONDO:0008251.
Psoriasis 2. Identifiers: MedGen C1864497, MONDO:0011269, OMIM 602723.

Allele frequency attached by ClinVar (database versions not stated): TOPMed 0.00597; ESP Exome Variant Server 0.00642; 1000 Genomes Project 0.00679; 1000 Genomes Project 30x 0.00750.
gnomAD v4.1: 1,614 of 1,563,976 alleles (0.1%); highest among the groups gnomAD compares: African/African-American, 1.9%; 19 homozygotes.

Submissions (6):

Labcorp Genetics (formerly Invitae), Labcorp
Classification: Benign for Pityriasis rubra pilaris; Psoriasis 2. Last evaluated: 2026-01-27. Review status: criteria provided, single submitter. Criteria: Invitae Variant Classification Sherloc (09022015). Collection method: clinical testing. Allele origin: germline.

Women's Health and Genetics/Laboratory Corporation of America, LabCorp
Classification: Likely benign. Last evaluated: 2026-01-22. Review status: criteria provided, single submitter. Criteria: LabCorp Variant Classification Summary - May 2015. Collection method: clinical testing. Allele origin: germline.

Genome Diagnostics Laboratory, The Hospital for Sick Children
Classification: Likely benign for Autoinflammatory syndrome. Last evaluated: 2022-03-04. Review status: criteria provided, single submitter. Criteria: ACMG Guidelines, 2015. Collection method: clinical testing. Allele origin: germline. Affected: yes.

ARUP Laboratories, Molecular Genetics and Genomics, ARUP Laboratories
Classification: Likely benign. Last evaluated: 2020-03-23. Review status: criteria provided, single submitter. Criteria: ARUP Molecular Germline Variant Investigation Process. Collection method: clinical testing. Allele origin: germline.

Breakthrough Genomics
Classification: Likely benign. Review status: criteria provided, single submitter. Criteria: ACMG Guidelines, 2015. Collection method: not provided. Allele origin: germline. Inheritance: Autosomal dominant inheritance. Affected: yes.

PreventionGenetics, part of Exact Sciences
Classification: Benign for CARD14-related condition. Last evaluated: 2019-05-01. Review status: no assertion criteria provided. Collection method: clinical testing. Allele origin: germline. Not counted in ClinVar's aggregate classification.
Comment: This variant is classified as benign based on ACMG/AMP sequence variant interpretation guidelines (Richards et al. 2015 PMID: 25741868, with internal and published modifications).

NM_001366385.1(CARD14):c.599G>T (p.Ser200Ile)

Gene: CARD14 (caspase recruitment domain family member 14; plus strand). Cytogenetic location: 17q25.3.
Variant type: single nucleotide variant.
Coding change: c.599G>T on transcript NM_001366385.1 (MANE Select); coding-DNA position 599, G replaced by T.
Protein change: p.Ser200Ile; replaces serine 200 with isoleucine.
Molecular consequence: missense variant. On other transcripts: non-coding transcript variant (1).
Genome position (GRCh38, 1-based): chr17:80,184,162, G>T. VCF-style: chr17-80184162-G-T. GRCh37 (hg19) VCF-style: chr17-78157961-G-T.
Other names: c.599G>T, p.Ser200Ile (NM_001257970.1, NM_024110.4); short protein forms S200I.
Identifiers: ClinVar variation 458107 (VCV000458107.27), dbSNP rs114688446, ClinGen allele CA8816453.
Genomic context (GRCh38, chr17:80,184,162, plus strand): 5'-TGAAGCGTGAGGTTAGCGCACACTTCCATGAGGTGCTGAGGCTGAAGGACGAGATGCTCA[G>T]CCTCTCGCTGCACTATAGCAATGCGCTGCAGGAGAAGGAGCTGGCCGCCTCACGCTGCCG-3'
Protein context (NP_001353314.1, residues 190-210): EVLRLKDEML[Ser200Ile]LSLHYSNALQ